The following is an entry in ClinVar:

ClinVar aggregate classification (germline): Uncertain significance (1 of 4 stars; one submission).

Submission:

CeGaT Center for Human Genetics Tuebingen
Classification: Uncertain significance. Last evaluated: 2023-09-01. Review status: criteria provided, single submitter. Criteria: CeGaT Center For Human Genetics Tuebingen Variant Classification Criteria Version 2. Collection method: clinical testing. Allele origin: germline. Affected: yes. Observed: 1 variant allele.
Comment: SMCR8: PM2

NM_144775.3(SMCR8):c.97C>G (p.Pro33Ala)

Gene: SMCR8 (SMCR8-C9orf72 complex subunit; plus strand). Cytogenetic location: 17p11.2.
Variant type: single nucleotide variant.
Coding change: c.97C>G on transcript NM_144775.3 (MANE Select); coding-DNA position 97, C replaced by G.
Protein change: p.Pro33Ala; replaces proline 33 with alanine.
Molecular consequence: missense variant.
Genome position (GRCh38, 1-based): chr17:18,315,886, C>G. VCF-style: chr17-18315886-C-G. GRCh37 (hg19) VCF-style: chr17-18219200-C-G.
Other names: short protein forms P33A.
Identifiers: ClinVar variation 2647554 (VCV002647554.24), dbSNP rs1469187851, ClinGen allele CA398608615.